The following is an entry in ClinVar:

NM_000059.4(BRCA2):c.7025A>G (p.Gln2342Arg)

Gene: BRCA2 (BRCA2 DNA repair associated; plus strand). Cytogenetic location: 13q13.1.
Variant type: single nucleotide variant.
Coding change: c.7025A>G on transcript NM_000059.4 (MANE Select); coding-DNA position 7025, A replaced by G.
Protein change: p.Gln2342Arg; replaces glutamine 2342 with arginine.
Molecular consequence: missense variant.
Genome position (GRCh38, 1-based): chr13:32,354,878, A>G. VCF-style: chr13-32354878-A-G. GRCh37 (hg19) VCF-style: chr13-32929015-A-G.
Other names: short protein forms Q2342R.
Identifiers: ClinVar variation 462428 (VCV000462428.15), dbSNP rs1555285981, ClinGen allele CA387794129.

ClinVar aggregate classification (germline): Uncertain significance. Review status: criteria provided, multiple submitters, no conflicts (2 of 4 stars). 3 submissions from 3 submitters: Uncertain significance (3). Last evaluated 2025-07-07.

Conditions:
Hereditary breast ovarian cancer syndrome. Also called: Hereditary breast and ovarian cancer syndrome (HBOC); Hereditary breast and ovarian cancer syndrome; Breast and ovarian cancer; Hereditary breast and/or ovarian cancer syndrome; Hereditary breast and ovarian cancer; BRCA1- and BRCA2-Associated Hereditary Breast and Ovarian Cancer. Identifiers: Orphanet 145, MedGen C0677776, MeSH D061325, MONDO:0003582. Disease mechanism: loss of function.
Hereditary cancer-predisposing syndrome. Also called: Neoplastic Syndromes, Hereditary; Hereditary Cancer Syndrome; Hereditary neoplastic syndrome; Tumor predisposition. Identifiers: Orphanet 140162, MedGen C0027672, MeSH D009386, MONDO:0015356.

Submissions (3):

Labcorp Genetics (formerly Invitae), Labcorp
Classification: Uncertain significance for Hereditary breast ovarian cancer syndrome. Last evaluated: 2025-07-07. Review status: criteria provided, single submitter. Criteria: Invitae Variant Classification Sherloc (09022015). Collection method: clinical testing. Allele origin: germline.
Comment: This sequence change replaces glutamine, which is neutral and polar, with arginine, which is basic and polar, at codon 2342 of the BRCA2 protein (p.Gln2342Arg). This variant is not present in population databases (gnomAD no frequency). This variant has not been reported in the literature in individuals affected with BRCA2-related conditions. ClinVar contains an entry for this variant (Variation ID: 462428). Invitae Evidence Modeling of protein sequence and biophysical properties (such as structural, functional, and spatial information, amino acid conservation, physicochemical variation, residue mobility, and thermodynamic stability) indicates that this missense variant is not expected to disrupt BRCA2 protein function with a negative predictive value of 95%. In summary, the available evidence is currently insufficient to determine the role of this variant in disease. Therefore, it has been classified as a Variant of Uncertain Significance.

Ambry Genetics
Classification: Uncertain significance for Hereditary cancer-predisposing syndrome. Last evaluated: 2025-06-15. Review status: criteria provided, single submitter. Criteria: Ambry Variant Classification Scheme 2023. Collection method: clinical testing. Allele origin: germline.
Comment: The p.Q2342R variant (also known as c.7025A>G), located in coding exon 13 of the BRCA2 gene, results from an A to G substitution at nucleotide position 7025. The glutamine at codon 2342 is replaced by arginine, an amino acid with highly similar properties. This amino acid position is not well conserved in available vertebrate species, and arginine is the reference amino acid in other vertebrate species. In addition, the in silico prediction for this alteration is inconclusive. Since supporting evidence is limited at this time, the clinical significance of this alteration remains unclear.

Sema4
Classification: Uncertain significance for Hereditary cancer-predisposing syndrome. Last evaluated: 2021-06-16. Review status: criteria provided, single submitter. Criteria: Sema4 Curation Guidelines. Collection method: curation. Allele origin: germline.
Comment: The BRCA2 c.7025A>G (p.Q2342R) variant has not been reported in the literature to our knowledge. It was not observed in the large and broad cohorts of the Genome Aggregation Database (PMID: 32461654). The variant has been reported in ClinVar (Variation ID 462428). In silico tools suggest the impact of the variant on protein function is inconclusive, though these predictions have not been confirmed by functional studies. The evidence is insufficient to meet ACMG/AMP criteria for classifying the variant as benign or pathogenic. Thus, the clinical significance of this variant is currently uncertain.